The following is an entry in ClinVar:

ClinVar aggregate classification (germline): Likely benign (1 of 4 stars; one submission).

Conditions:
Familial cancer of breast. Also called: Hereditary breast cancer; BREAST CANCER, FAMILIAL; hereditary breast carcinoma. Identifiers: Orphanet 227535, MedGen C0346153, MONDO:0016419, OMIM 114480. Disease mechanism: loss of function.

Submission:

Myriad Genetics, Inc.
Classification: Likely benign for Familial cancer of breast. Last evaluated: 2024-10-08. Review status: criteria provided, single submitter. Criteria: Myriad Autosomal Dominant, Autosomal Recessive and X-Linked Classification Criteria (2023). Collection method: clinical testing. Allele origin: unknown.
Comment: This variant is considered likely benign. This variant is intronic and is not expected to impact mRNA splicing.

NM_007194.4(CHEK2):c.1543-8A>G

Gene: CHEK2 (checkpoint kinase 2; minus strand). Cytogenetic location: 22q12.1.
Variant type: single nucleotide variant.
Coding change: c.1543-8A>G on transcript NM_007194.4 (MANE Select); 8 bases into the intron before coding-DNA position 1543, A replaced by G.
Molecular consequence: intron variant.
Genome position (GRCh38, 1-based): chr22:28,687,994, T>C on the plus strand (A>G on the coding strand, the complement: CHEK2 is on the minus strand). VCF-style: chr22-28687994-T-C. GRCh37 (hg19) VCF-style: chr22-29083982-T-C.
Other names: c.880-8A>G (NM_001437942.1, NM_001257387.3); c.1342-8A>G (NM_001349956.3); c.1456-8A>G (NM_145862.3); c.1549-8A>G (NM_001438295.1); c.1636-8A>G (NM_001438293.1); c.1585-8A>G (NM_001438294.1); c.1672-8A>G (NM_001005735.3).
Identifiers: ClinVar variation 3773599 (VCV003773599.1).